The following is an entry in ClinVar:

NM_001130009.3(GEN1):c.673C>T (p.Leu225Phe)

Gene: GEN1 (GEN1 structure-specific endonuclease; plus strand). Cytogenetic location: 2p24.2.
Variant type: single nucleotide variant.
Coding change: c.673C>T on transcript NM_001130009.3 (MANE Select); coding-DNA position 673, C replaced by T.
Protein change: p.Leu225Phe; replaces leucine 225 with phenylalanine.
Molecular consequence: missense variant.
Genome position (GRCh38, 1-based): chr2:17,768,774, C>T. VCF-style: chr2-17768774-C-T. GRCh37 (hg19) VCF-style: chr2-17950041-C-T.
Other names: c.673C>T, p.Leu225Phe (NM_182625.5); short protein forms L225F.
Identifiers: ClinVar variation 2790807 (VCV002790807.3), dbSNP rs1425638151, ClinGen allele CA345913532.
Genomic context (GRCh38, chr2:17,768,774, plus strand): 5'-ATTTTTTTTCCCACTTTCTGAAAGGGAGTCCCTGGAGTTGGAAAAGAGCAAGCATTAAAA[C>T]TTATACAGATTTTGAAAGGGCAAAGTTTACTTCAGAGGTAACTAATAATTACTTTCTCTT-3'
Protein context (NP_001123481.3, residues 215-235): PGVGKEQALK[Leu225Phe]IQILKGQSLL

ClinVar aggregate classification (germline): Uncertain significance (1 of 4 stars; one submission).

Submission:

Labcorp Genetics (formerly Invitae), Labcorp
Classification: Uncertain significance. Last evaluated: 2025-11-03. Review status: criteria provided, single submitter. Criteria: Invitae Variant Classification Sherloc (09022015). Collection method: clinical testing. Allele origin: germline.
Comment: This sequence change replaces leucine, which is neutral and non-polar, with phenylalanine, which is neutral and non-polar, at codon 225 of the GEN1 protein (p.Leu225Phe). This variant is not present in population databases (gnomAD no frequency). This variant has not been reported in the literature in individuals affected with GEN1-related conditions. ClinVar contains an entry for this variant (Variation ID: 2790807). An algorithm developed to predict the effect of missense changes on protein structure and function (PolyPhen-2) suggests that this variant is likely to be disruptive. In summary, the available evidence is currently insufficient to determine the role of this variant in disease. Therefore, it has been classified as a Variant of Uncertain Significance.